The following is an entry in ClinVar:

NM_000264.5(PTCH1):c.787G>T (p.Glu263Ter)

Gene: PTCH1 (patched 1; minus strand). Cytogenetic location: 9q22.32.
Variant type: single nucleotide variant.
Coding change: c.787G>T on transcript NM_000264.5 (MANE Select); coding-DNA position 787, G replaced by T.
Protein change: p.Glu263Ter; replaces glutamic acid 263 with a stop codon.
Molecular consequence: nonsense. On other transcripts: non-coding transcript variant (1).
Genome position (GRCh38, 1-based): chr9:95,480,548, C>A on the plus strand (G>T on the coding strand, the complement: PTCH1 is on the minus strand). VCF-style: chr9-95480548-C-A. GRCh37 (hg19) VCF-style: chr9-98242830-C-A.
Other names: c.589G>T, p.Glu197Ter (NM_001083602.3); c.784G>T, p.Glu262Ter (NM_001083603.3); c.334G>T, p.Glu112Ter (NM_001083604.3, NM_001083605.3, NM_001083606.3 and 1 more transcripts); c.787G>T, p.Glu263Ter (NM_001354918.2); short protein forms E197*, E263*, E112*, E262*.
Identifiers: ClinVar variation 4994301 (VCV004994301.1).

ClinVar aggregate classification (germline): Likely pathogenic (1 of 4 stars; one submission).

Conditions:
PTCH1-related disorder. Also called: PTCH1-related disorders; PTCH1-related condition.

Submission:

PreventionGenetics, part of Exact Sciences
Classification: Likely pathogenic for PTCH1-related condition. Last evaluated: 2026-08-11. Review status: criteria provided, single submitter. Criteria: ACMG Guidelines, 2015. Collection method: clinical testing. Allele origin: germline.
Comment: The PTCH1 c.787G>T variant is predicted to result in premature protein termination (p.Glu263*). To our knowledge, this variant has not been reported in the literature or in a large population database (gnomAD), indicating this variant is rare. Nonsense variants in PTCH1 are expected to be pathogenic. This variant is interpreted as likely pathogenic.